The following is an entry in ClinVar:

ClinVar aggregate classification (germline): Likely benign. Review status: criteria provided, multiple submitters, no conflicts (2 of 4 stars). 5 submissions from 5 submitters: Likely benign (3). 2 of the submissions do not count toward it. Last evaluated 2026-01-30.

Conditions:
Fanconi anemia (FA). Also called: Fanconi's anemia. Identifiers: Orphanet 84, MedGen C0015625, MeSH D005199, MONDO:0019391.
FANCA-related disorder. Also called: FANCA-related condition.
Fanconi anemia complementation group A (FANCA). Also called: Fanconi anemia, group A; FANCA-Related Fanconi Anemia. Identifiers: Orphanet 84, MedGen C3469521, MONDO:0009215, OMIM 227650.

Allele frequency attached by ClinVar (database versions not stated): ExAC 0.00009; gnomAD 0.00010; ESP Exome Variant Server 0.00023; TOPMed 0.00029; 1000 Genomes Project 0.00120; 1000 Genomes Project 30x 0.00156.
gnomAD v4.1: 74 of 1,614,108 alleles (0.0046%); highest among the groups gnomAD compares: African/African-American, 0.083%; no homozygotes.

Submissions (5):

Labcorp Genetics (formerly Invitae), Labcorp
Classification: Likely benign for Fanconi anemia. Last evaluated: 2026-01-30. Review status: criteria provided, single submitter. Criteria: Invitae Variant Classification Sherloc (09022015). Collection method: clinical testing. Allele origin: germline.

Quest Diagnostics Nichols Institute San Juan Capistrano
Classification: Likely benign. Last evaluated: 2023-02-13. Review status: criteria provided, single submitter. Criteria: Quest Diagnostics criteria. Collection method: clinical testing. Allele origin: unknown.

Fulgent Genetics
Classification: Likely benign for Fanconi anemia complementation group A. Last evaluated: 2021-11-04. Review status: criteria provided, single submitter. Criteria: ACMG Guidelines, 2015. Collection method: clinical testing. Allele origin: unknown.

PreventionGenetics, part of Exact Sciences
Classification: Likely benign for FANCA-related condition. Last evaluated: 2022-05-31. Review status: no assertion criteria provided. Collection method: clinical testing. Allele origin: germline. Not counted in ClinVar's aggregate classification.
Comment: This variant is classified as likely benign based on ACMG/AMP sequence variant interpretation guidelines (Richards et al. 2015 PMID: 25741868, with internal and published modifications).

Natera, Inc.
Classification: Likely benign for Fanconi anemia. Last evaluated: 2020-02-04. Review status: no assertion criteria provided. Collection method: clinical testing. Allele origin: germline. Not counted in ClinVar's aggregate classification.

NM_000135.4(FANCA):c.1755C>G (p.Pro585=)

Gene: FANCA (FA complementation group A; minus strand). Cytogenetic location: 16q24.3.
Variant type: single nucleotide variant.
Coding change: c.1755C>G on transcript NM_000135.4 (MANE Select); coding-DNA position 1755, C replaced by G.
Protein change: p.Pro585=; no amino-acid change (proline 585 retained).
Molecular consequence: synonymous variant.
Genome position (GRCh38, 1-based): chr16:89,778,964, G>C on the plus strand (C>G on the coding strand, the complement: FANCA is on the minus strand). VCF-style: chr16-89778964-G-C. GRCh37 (hg19) VCF-style: chr16-89845372-G-C.
Other names: c.1755C>G, p.Pro585= (NM_001286167.3); c.1755C>G (NM_000135.3).
Identifiers: ClinVar variation 700849 (VCV000700849.18), dbSNP rs144704750, ClinGen allele CA8252119.
Genomic context (GRCh38, chr16:89,778,964, plus strand): 5'-TACACAACTGGTCACAAACTCATGGAGACGCATACTGACCACTCGAGGTGTGAGCAGGGC[G>C]GGGAGGAAGTGGGACACGTAGTAAGGCCTCCTGAATATGCTGCAACACAGAGAAGCAGAC-3'
Protein context (NP_000126.2, residues 575-595): RRPYYVSHFL[Pro585=]ALLTPRVLPK